The following is an entry in ClinVar:

NM_002693.3(POLG):c.1586-21T>G

Genes: MIR6766 (microRNA 6766; minus strand), POLG (DNA polymerase gamma, catalytic subunit; minus strand). Cytogenetic location: 15q26.1.
Variant type: single nucleotide variant.
Coding change: c.1586-21T>G on transcript NM_002693.3 (MANE Select); 21 bases into the intron before coding-DNA position 1586, T replaced by G.
Molecular consequence: intron variant. On other transcripts: non-coding transcript variant (1).
Genome position (GRCh38, 1-based): chr15:89,326,759, A>C on the plus strand (T>G on the coding strand, the complement: POLG is on the minus strand). VCF-style: chr15-89326759-A-C. GRCh37 (hg19) VCF-style: chr15-89869990-A-C.
Other names: c.1586-21T>G (NM_001126131.2).
Identifiers: ClinVar variation 619458 (VCV000619458.1), dbSNP rs908825194, ClinGen allele CA10602310.

ClinVar aggregate classification (germline): Likely benign (1 of 4 stars; one submission).

Conditions:
Progressive sclerosing poliodystrophy (MTDPS4A). Also called: Alpers-Huttenlocher Syndrome (AHS); Alpers Syndrome; ALPERS PROGRESSIVE INFANTILE POLIODYSTROPHY; Mitochondrial DNA depletion syndrome 4A (Alpers type); ALPERS DIFFUSE DEGENERATION OF CEREBRAL GRAY MATTER WITH HEPATIC CIRRHOSIS; Alpers-Huttenlocher Syndrome. Identifiers: Orphanet 726, MedGen C0205710, MONDO:0008758, OMIM 203700.

Allele frequency attached by ClinVar (database versions not stated): gnomAD exomes 0.00002 and 0.00003; TOPMed 0.00004; gnomAD 0.00006.
gnomAD v4.1: 61 of 1,613,932 alleles (0.0038%); highest among the groups gnomAD compares: Non-Finnish European, 0.0048%; no homozygotes.

Submission:

Wong Mito Lab, Molecular and Human Genetics, Baylor College of Medicine
Classification: Likely benign for Progressive sclerosing poliodystrophy. Last evaluated: 2018-10-01. Review status: criteria provided, single submitter. Criteria: ACMG Guidelines, 2015. Collection method: clinical testing. Allele origin: germline.
Comment: The NM_002693.2:c.1586-21T>G (NP_002684.1:p.=) [GRCH38: NC_000015.10:g.89326759A>C] variant in POLG gene is interpretated to be a Likely Benign based on ACMG guidelines (PMID: 25741868). This variant meets the following evidence codes reported in the ACMG-guideline. BP4:Computational evidence/predictors indicate no impact on the POLG structure, function, or protein-protein interaction. BP6:Reputable source(s) without shared data suggest the variant is benign. Based on the evidence criteria codes applied, the variant is suggested to be Likely Benign.